The following is an entry in ClinVar:

NM_015474.4(SAMHD1):c.1259C>G (p.Thr420Ser)

Gene: SAMHD1 (SAM and HD domain containing deoxynucleoside triphosphate triphosphohydrolase 1; minus strand). Cytogenetic location: 20q11.23.
Variant type: single nucleotide variant.
Coding change: c.1259C>G on transcript NM_015474.4 (MANE Select); coding-DNA position 1259, C replaced by G.
Protein change: p.Thr420Ser; replaces threonine 420 with serine.
Molecular consequence: missense variant.
Genome position (GRCh38, 1-based): chr20:36,911,229, G>C on the plus strand (C>G on the coding strand, the complement: SAMHD1 is on the minus strand). VCF-style: chr20-36911229-G-C. GRCh37 (hg19) VCF-style: chr20-35539632-G-C.
Other names: c.1259C>G, p.Thr420Ser (NM_001363729.2, NM_001363733.2); short protein forms T420S.
Identifiers: ClinVar variation 852677 (VCV000852677.9), dbSNP rs1233436073, ClinGen allele CA408843309.

ClinVar aggregate classification (germline): Uncertain significance (1 of 4 stars; one submission).

Conditions:
Aicardi-Goutieres syndrome 5. Identifiers: Orphanet 51, MedGen C2749659, MONDO:0013059, OMIM 612952.

Allele frequency attached by ClinVar (database versions not stated): gnomAD 0.00001.
gnomAD v4.1: 1 of 1,610,582 alleles (0.000062%); highest among the groups gnomAD compares: Non-Finnish European, 0.000085%; no homozygotes.

Submission:

Labcorp Genetics (formerly Invitae), Labcorp
Classification: Uncertain significance for Aicardi-Goutieres syndrome 5. Last evaluated: 2019-04-18. Review status: criteria provided, single submitter. Criteria: Invitae Variant Classification Sherloc (09022015). Collection method: clinical testing. Allele origin: germline.
Comment: This variant has not been reported in the literature in individuals with SAMHD1-related conditions. Algorithms developed to predict the effect of missense changes on protein structure and function output the following: SIFT: "Tolerated"; PolyPhen-2: "Benign"; Align-GVGD: "Class C0". The serine amino acid residue is found in multiple mammalian species, suggesting that this missense change does not adversely affect protein function. These predictions have not been confirmed by published functional studies and their clinical significance is uncertain. Algorithms developed to predict the effect of sequence changes on RNA splicing suggest that this variant may create or strengthen a splice site, but this prediction has not been confirmed by published transcriptional studies. In summary, the available evidence is currently insufficient to determine the role of this variant in disease. Therefore, it has been classified as a Variant of Uncertain Significance. This variant is not present in population databases (ExAC no frequency). This sequence change replaces threonine with serine at codon 420 of the SAMHD1 protein (p.Thr420Ser). The threonine residue is moderately conserved and there is a small physicochemical difference between threonine and serine.